The following is an entry in ClinVar:

ClinVar aggregate classification (germline): Uncertain significance (1 of 4 stars; one submission).

Conditions:
Hereditary cancer-predisposing syndrome. Also called: Tumor predisposition; Hereditary Cancer Syndrome; Neoplastic Syndromes, Hereditary; Hereditary neoplastic syndrome. Identifiers: Orphanet 140162, MedGen C0027672, MeSH D009386, MONDO:0015356.

Submission:

Ambry Genetics
Classification: Uncertain significance for Hereditary cancer-predisposing syndrome. Last evaluated: 2025-11-24. Review status: criteria provided, single submitter. Criteria: Ambry Variant Classification Scheme 2023. Collection method: clinical testing. Allele origin: germline.
Comment: The c.1101dupT variant, located in coding exon 11 of the POLE gene, results from a duplication of T at nucleotide position 1101, causing a translational frameshift with a predicted alternate stop codon (p.D368*). This alteration is expected to result in loss of function by premature protein truncation or nonsense-mediated mRNA decay. Although biallelic loss of function of POLE has been associated with autosomal recessive POLE deficiency, haploinsufficiency of POLE has not been established as a mechanism of disease for POLE-related polymerase proofreading-associated polyposis (PPAP) and POLE-related CMMRD-like syndrome. Based on the supporting evidence, this variant is expected to be causative of POLE deficiency when present along with a second pathogenic variant on the other allele; however, its clinical significance for PPAP and POLE-related CMMRD-like syndrome is unclear.

NM_006231.4(POLE):c.1101dup (p.Asp368Ter)

Gene: POLE (DNA polymerase epsilon, catalytic subunit; minus strand). Cytogenetic location: 12q24.33.
Variant type: Duplication.
Coding change: c.1101dup on transcript NM_006231.4 (MANE Select); coding-DNA position 1101, one base duplicated (T; older notation c.1101dupT).
Protein change: p.Asp368Ter; replaces aspartic acid 368 with a stop codon.
Molecular consequence: nonsense.
Genome position (GRCh38, 1-based): chr12:132,675,740, A duplicated on the plus strand (T on the coding strand, the reverse complement: POLE is on the minus strand); the first of 6 consecutive A bases (chr12:132,675,740-132,675,745); duplicating any one gives the same sequence. VCF-style (leftmost placement, unchanged base first): chr12-132675739-C-CA. GRCh37 (hg19) VCF-style: chr12-133252325-C-CA.
Other names: short protein forms D368*.
Identifiers: ClinVar variation 822175 (VCV000822175.5), dbSNP rs1488526952, ClinGen allele CA645596051.